The following is an entry in ClinVar:

NM_015909.4(NBAS):c.3039C>A (p.Asp1013Glu)

Gene: NBAS (NBAS subunit of NRZ tethering complex; minus strand). Cytogenetic location: 2p24.3.
Variant type: single nucleotide variant.
Coding change: c.3039C>A on transcript NM_015909.4 (MANE Select); coding-DNA position 3039, C replaced by A.
Protein change: p.Asp1013Glu; replaces aspartic acid 1013 with glutamic acid.
Molecular consequence: missense variant. On other transcripts: non-coding transcript variant (1).
Genome position (GRCh38, 1-based): chr2:15,402,200, G>T on the plus strand (C>A on the coding strand, the complement: NBAS is on the minus strand). VCF-style: chr2-15402200-G-T. GRCh37 (hg19) VCF-style: chr2-15542324-G-T.
Other names: c.3039C>A (NM_015909.2, NM_015909.3); short protein forms D1013E.
Identifiers: ClinVar variation 1054219 (VCV001054219.12), dbSNP rs142176915, ClinGen allele CA1536189.

ClinVar aggregate classification (germline): Conflicting classifications of pathogenicity. Review status: criteria provided, conflicting classifications (1 of 4 stars). 4 submissions from 4 submitters: Uncertain significance (2); Likely benign (2). Last evaluated 2026-02-18.

Conditions:
NBAS-related disorder. Also called: NBAS-related condition.
Inborn genetic diseases. Identifiers: MedGen C0950123, MeSH D030342.

Allele frequency attached by ClinVar (database versions not stated): gnomAD exomes 0.00006 and 0.00018; ExAC 0.00021; 1000 Genomes Project 30x 0.00047; 1000 Genomes Project 0.00060; gnomAD 0.00068 and 0.00073; ESP Exome Variant Server 0.00069; TOPMed 0.00082.
gnomAD v4.1: 206 of 1,613,548 alleles (0.013%); highest among the groups gnomAD compares: African/African-American, 0.23%; 1 homozygote.

Submissions (4):

GeneDx
Classification: Uncertain significance. Last evaluated: 2026-02-18. Review status: criteria provided, single submitter. Criteria: GeneDx Variant Classification Process June 2021. Collection method: clinical testing. Allele origin: germline.
Comment: In silico analysis suggests that this missense variant does not alter protein structure/function; Has not been previously published as pathogenic or benign to our knowledge

Labcorp Genetics (formerly Invitae), Labcorp
Classification: Likely benign. Last evaluated: 2026-01-19. Review status: criteria provided, single submitter. Criteria: Invitae Variant Classification Sherloc (09022015). Collection method: clinical testing. Allele origin: germline.

PreventionGenetics, part of Exact Sciences
Classification: Likely benign for NBAS-related condition. Last evaluated: 2025-11-30. Review status: criteria provided, single submitter. Criteria: ACMG Guidelines, 2015. Collection method: clinical testing. Allele origin: germline.
Comment: This variant is classified as likely benign based on ACMG/AMP sequence variant interpretation guidelines (Richards et al. 2015 PMID: 25741868, with internal and published modifications).

Ambry Genetics
Classification: Uncertain significance for Inborn genetic diseases. Last evaluated: 2021-07-28. Review status: criteria provided, single submitter. Criteria: Ambry Variant Classification Scheme 2023. Collection method: clinical testing. Allele origin: germline.